The following is an entry in ClinVar:

NM_000038.6(APC):c.136-1996G>A

Gene: APC (APC regulator of WNT signaling pathway; plus strand). Cytogenetic location: 5q22.2.
Variant type: single nucleotide variant.
Coding change: c.136-1996G>A on transcript NM_000038.6 (MANE Select); 1996 bases into the intron before coding-DNA position 136, G replaced by A.
Molecular consequence: intron variant.
Genome position (GRCh38, 1-based): chr5:112,764,330, G>A. VCF-style: chr5-112764330-G-A. GRCh37 (hg19) VCF-style: chr5-112100027-G-A.
Other names: c.136-1996G>A (NM_001354895.2, NM_001127510.3, NM_001354896.2 and 2 more transcripts); c.166-1996G>A (NM_001354897.2, NM_001354902.2, NM_001127511.3); c.61-1996G>A (NM_001354898.2, NM_001354904.2); c.-900-1996G>A (NM_001354906.2); c.-42-1996G>A (NM_001354900.2, NM_001354901.2, NM_001354905.2).
Identifiers: ClinVar variation 82859 (VCV000082859.2), dbSNP rs6867243, ClinGen allele CA004525.

ClinVar aggregate classification (germline): other (0 of 4 stars; one submission).

Conditions:
Familial colorectal cancer. Identifiers: MedGen CN280943, MONDO:0023113. Disease mechanism: loss of function.

Allele frequency attached by ClinVar (database versions not stated): gnomAD 0.53801; TOPMed 0.56904; 1000 Genomes Project 30x 0.61868; 1000 Genomes Project 0.62101.
gnomAD v4.1: 83,694 of 151,478 alleles (55%); highest among the groups gnomAD compares: East Asian, 79%; 23,566 homozygotes.

Submission:

Systems Biology Platform Zhejiang California International NanoSystems Institute
Classification: other for Familial colorectal cancer. Review status: no assertion criteria provided. Collection method: not provided. Allele origin: unknown.
ClinVar note: Converted during submission from cancer to other.